The following is an entry in ClinVar:

NC_000023.10:g.(?_154490088)_(154563736_?)dup

Genes: CLIC2 (chloride intracellular channel 2; minus strand), RAB39B (RAB39B, member RAS oncogene family; minus strand). Cytogenetic location: Xq28.
Variant type: Duplication.
Identifiers: ClinVar variation 2427468 (VCV002427468.3).

ClinVar aggregate classification (germline): Uncertain significance (1 of 4 stars; one submission).

Submission:

Labcorp Genetics (formerly Invitae), Labcorp
Classification: Uncertain significance. Last evaluated: 2022-02-11. Review status: criteria provided, single submitter. Criteria: Invitae Variant Classification Sherloc (09022015). Collection method: clinical testing. Allele origin: germline.
Comment: A copy number gain of the genomic region encompassing the full coding sequence of the RAB39B gene has been identified. The boundaries of this event are unknown as they extend beyond the assayed region for this gene and therefore may encompass additional genes. As the precise location of this event is unknown, it may be in tandem or it may be located elsewhere in the genome. Isolated whole-gene copy number gains of RAB39B have not been reported in the literature. However, larger copy number events that include this gene have been reported (PMID: 24357492, 24700761, 25927380). In summary, the available evidence is currently insufficient to determine the role of this variant in disease. Therefore, it has been classified as a Variant of Uncertain Significance.

Literature cited by the submitters: PubMed 24357492; PubMed 24700761; PubMed 25927380.